The following is an entry in ClinVar:

NM_021625.5(TRPV4):c.278C>T (p.Ser93Phe)

Gene: TRPV4 (transient receptor potential cation channel subfamily V member 4; minus strand). Cytogenetic location: 12q24.11.
Variant type: single nucleotide variant.
Coding change: c.278C>T on transcript NM_021625.5 (MANE Select); coding-DNA position 278, C replaced by T.
Protein change: p.Ser93Phe; replaces serine 93 with phenylalanine.
Molecular consequence: missense variant.
Genome position (GRCh38, 1-based): chr12:109,814,519, G>A on the plus strand (C>T on the coding strand, the complement: TRPV4 is on the minus strand). VCF-style: chr12-109814519-G-A. GRCh37 (hg19) VCF-style: chr12-110252324-G-A.
Other names: c.278C>T, p.Ser93Phe (NM_001177428.2, NM_001177433.2, NM_147204.3); c.176C>T, p.Ser59Phe (NM_001177431.2); short protein forms S59F, S93F.
Identifiers: ClinVar variation 2636347 (VCV002636347.1), dbSNP rs2548802980, ClinGen allele CA386660350.

ClinVar aggregate classification (germline): Uncertain significance (1 of 4 stars; one submission).

Conditions:
TRPV4-related disorder. Also called: TRPV4-related disorders; TRPV4-related condition.

Submission:

PreventionGenetics, part of Exact Sciences
Classification: Uncertain significance for TRPV4-related condition. Last evaluated: 2022-09-08. Review status: criteria provided, single submitter. Criteria: ACMG Guidelines, 2015. Collection method: clinical testing. Allele origin: germline.
Comment: The TRPV4 c.278C>T variant is predicted to result in the amino acid substitution p.Ser93Phe. To our knowledge, this variant has not been reported in the literature or in a large population database, indicating this variant is rare. An adjacent missense has been reported in the homozygous state in a patient with congenital spinal muscular atrophy and arthrogryposis, and functional studies supported the pathogenicity of this change (p.Ser94Leu; Velilla et al. 2019. PubMed ID: 31041394). At this time, the clinical significance of the p.Ser93Phe variant is uncertain due to the absence of conclusive functional and genetic evidence.